The following is an entry in ClinVar:

NM_000089.4(COL1A2):c.2381G>A (p.Arg794Gln)

Gene: COL1A2 (collagen type I alpha 2 chain; plus strand). Cytogenetic location: 7q21.3.
Variant type: single nucleotide variant.
Coding change: c.2381G>A on transcript NM_000089.4 (MANE Select); coding-DNA position 2381, G replaced by A.
Protein change: p.Arg794Gln; replaces arginine 794 with glutamine.
Molecular consequence: missense variant.
Genome position (GRCh38, 1-based): chr7:94,421,930, G>A. VCF-style: chr7-94421930-G-A. GRCh37 (hg19) VCF-style: chr7-94051242-G-A.
Other names: short protein forms R794Q.
Identifiers: ClinVar variation 1712151 (VCV001712151.7), dbSNP rs1024288536, ClinGen allele CA162937225.

ClinVar aggregate classification (germline): Uncertain significance. Review status: criteria provided, multiple submitters, no conflicts (2 of 4 stars). 3 submissions from 3 submitters: Uncertain significance (3). Last evaluated 2024-01-12.

Conditions:
Ehlers-Danlos syndrome, classic type, 1 (EDSCL1). Also called: EDS I; Ehlers-Danlos syndrome, type 1; EHLERS-DANLOS SYNDROME, GRAVIS TYPE; EHLERS-DANLOS SYNDROME, SEVERE CLASSIC TYPE; Ehlers-Danlos Syndrome, Classic Type, COL5A1-Related. Identifiers: MedGen C0268335, MONDO:0019567, OMIM 130000.
Osteogenesis imperfecta type I (OI1). Also called: Osteogenesis imperfecta type 1; Lobstein's Disease; OI, TYPE I; OSTEOGENESIS IMPERFECTA TARDA; OSTEOGENESIS IMPERFECTA WITH BLUE SCLERAE; Lobstein disease. Identifiers: Orphanet 216796, Orphanet 666, MedGen C0023931, MONDO:0008146, OMIM 166200. Disease mechanism: loss of function.
Cardiovascular phenotype. Identifiers: MedGen CN230736.

Allele frequency attached by ClinVar (database versions not stated): gnomAD exomes 0.00001; gnomAD 0.00001.
gnomAD v4.1: 9 of 1,614,034 alleles (0.00056%); highest among the groups gnomAD compares: East Asian, 0.0089%; no homozygotes.

Submissions (3):

Labcorp Genetics (formerly Invitae), Labcorp
Classification: Uncertain significance for Osteogenesis imperfecta type I; Ehlers-Danlos syndrome, classic type, 1. Last evaluated: 2024-01-12. Review status: criteria provided, single submitter. Criteria: Invitae Variant Classification Sherloc (09022015). Collection method: clinical testing. Allele origin: germline.
Comment: This sequence change replaces arginine, which is basic and polar, with glutamine, which is neutral and polar, at codon 794 of the COL1A2 protein (p.Arg794Gln). This variant is present in population databases (no rsID available, gnomAD 0.0009%). This variant has not been reported in the literature in individuals affected with COL1A2-related conditions. ClinVar contains an entry for this variant (Variation ID: 1712151). Advanced modeling of protein sequence and biophysical properties (such as structural, functional, and spatial information, amino acid conservation, physicochemical variation, residue mobility, and thermodynamic stability) has been performed at Invitae for this missense variant, however the output from this modeling did not meet the statistical confidence thresholds required to predict the impact of this variant on COL1A2 protein function. Algorithms developed to predict the effect of sequence changes on RNA splicing suggest that this variant may disrupt the consensus splice site. In summary, the available evidence is currently insufficient to determine the role of this variant in disease. Therefore, it has been classified as a Variant of Uncertain Significance.

GeneDx
Classification: Uncertain significance. Last evaluated: 2022-10-18. Review status: criteria provided, single submitter. Criteria: GeneDx Variant Classification Process June 2021. Collection method: clinical testing. Allele origin: germline. Affected: yes.
Comment: Not observed at significant frequency in large population cohorts (gnomAD); In silico analysis supports that this missense variant has a deleterious effect on protein structure/function; Has not been previously published as pathogenic or benign to our knowledge; Occurs in the triple helical domain at the Y position in the canonical Gly-X-Y repeat; although this variant may have an effect on normal protein folding and function, missense substitution at the Y position is not a common mechanism of disease (HGMD)

Ambry Genetics
Classification: Uncertain significance for Cardiovascular phenotype. Last evaluated: 2020-11-25. Review status: criteria provided, single submitter. Criteria: Ambry Variant Classification Scheme 2023. Collection method: clinical testing. Allele origin: germline.
Comment: The p.R794Q variant (also known as c.2381G>A), located in coding exon 39 of the COL1A2 gene, results from a G to A substitution at nucleotide position 2381. The arginine at codon 794 is replaced by glutamine, an amino acid with highly similar properties. This amino acid position is highly conserved in available vertebrate species. In addition, the in silico prediction for this alteration is inconclusive. Since supporting evidence is limited at this time, the clinical significance of this alteration remains unclear.